The following is an entry in ClinVar:

NM_006767.4(LZTR1):c.1354-3C>A

Gene: LZTR1 (leucine zipper like post translational regulator 1; plus strand). Cytogenetic location: 22q11.21.
Variant type: single nucleotide variant.
Coding change: c.1354-3C>A on transcript NM_006767.4 (MANE Select); 3 bases into the intron before coding-DNA position 1354, C replaced by A.
Molecular consequence: intron variant.
Genome position (GRCh38, 1-based): chr22:20,993,921, C>A. VCF-style: chr22-20993921-C-A. GRCh37 (hg19) VCF-style: chr22-21348210-C-A.
Identifiers: ClinVar variation 2433583 (VCV002433583.4), dbSNP rs771602353, ClinGen allele CA751566102.

ClinVar aggregate classification (germline): Uncertain significance. Review status: criteria provided, multiple submitters, no conflicts (2 of 4 stars). 2 submissions from 2 submitters: Uncertain significance (2). Last evaluated 2025-11-17.

Allele frequency attached by ClinVar (database versions not stated): TOPMed below 0.00001.
gnomAD v4.1: 1 of 1,611,120 alleles (0.000062%); highest among the groups gnomAD compares: Non-Finnish European, 0.000085%; no homozygotes.

Submissions (2):

Labcorp Genetics (formerly Invitae), Labcorp
Classification: Uncertain significance. Last evaluated: 2025-11-17. Review status: criteria provided, single submitter. Criteria: Invitae Variant Classification Sherloc (09022015). Collection method: clinical testing. Allele origin: germline.
Comment: This sequence change falls in intron 12 of the LZTR1 gene. It does not directly change the encoded amino acid sequence of the LZTR1 protein. It affects a nucleotide within the consensus splice site. This variant is not present in population databases (gnomAD no frequency). This variant has not been reported in the literature in individuals affected with LZTR1-related conditions. ClinVar contains an entry for this variant (Variation ID: 2433583). Variants that disrupt the consensus splice site are a relatively common cause of aberrant splicing (PMID: 17576681, 9536098). Algorithms developed to predict the effect of sequence changes on RNA splicing suggest that this variant may disrupt the consensus splice site. In summary, the available evidence is currently insufficient to determine the role of this variant in disease. Therefore, it has been classified as a Variant of Uncertain Significance.

Revvity Omics, Revvity
Classification: Uncertain significance. Last evaluated: 2019-09-19. Review status: criteria provided, single submitter. Criteria: ACMG Guidelines, 2015. Collection method: clinical testing. Allele origin: germline.

Literature cited by the submitters: PubMed 17576681 (cited by Labcorp Genetics (formerly Invitae), Labcorp); PubMed 9536098 (cited by Labcorp Genetics (formerly Invitae), Labcorp).